The following is an entry in ClinVar:

ClinVar aggregate classification (germline): Likely pathogenic (1 of 4 stars; one submission).

Conditions:
Epilepsy, idiopathic generalized, susceptibility to, 14 (EIG14). Identifiers: MedGen C4225245, MONDO:0014734, OMIM 616685.

Submission:

Human Genetics Bochum, Ruhr University Bochum
Classification: Likely pathogenic for Epilepsy, idiopathic generalized, susceptibility to, 14. Last evaluated: 2025-03-21. Review status: criteria provided, single submitter. Criteria: ACMG Guidelines, 2015. Collection method: clinical testing. Allele origin: germline. Affected: yes.
Comment: ACMG criteria used to clasify this variant: PVS1, PM2_SUP

NM_020708.5(SLC12A5):c.2547+2T>G

Gene: SLC12A5 (solute carrier family 12 member 5; plus strand). Cytogenetic location: 20q13.12.
Variant type: single nucleotide variant.
Coding change: c.2547+2T>G on transcript NM_020708.5 (MANE Select); the canonical splice donor site of the intron after coding-DNA position 2547, T replaced by G.
Molecular consequence: splice donor variant.
Genome position (GRCh38, 1-based): chr20:46,053,128, T>G. VCF-style: chr20-46053128-T-G. GRCh37 (hg19) VCF-style: chr20-44681767-T-G.
Other names: c.2616+2T>G (NM_001134771.2).
Identifiers: ClinVar variation 4687908 (VCV004687908.1).
Genomic context (GRCh38, chr20:46,053,128, plus strand): 5'-GGATTGTGCACGATGGAGGCATGCTCATGCTGCTGCCCTTCCTGCTGCGGCACCACAAGG[T>G]GAGTTGTGTGCGTGAGTGTATGCACGTGTGAGTGTGTGTATGCATGTATGCATTTGTGTG-3'